The following is an entry in ClinVar:

ClinVar aggregate classification (germline): Uncertain significance (1 of 4 stars; one submission).

Conditions:
Developmental and epileptic encephalopathy 94 (DEE94). Also called: Epileptic encephalopathy, childhood-onset; CHD2-Related Neurodevelopmental Disorders. Identifiers: Orphanet 1942, Orphanet 2382, MedGen C3809278, MONDO:0014150, OMIM 615369.

Submission:

Labcorp Genetics (formerly Invitae), Labcorp
Classification: Uncertain significance for Developmental and epileptic encephalopathy 94. Last evaluated: 2025-09-23. Review status: criteria provided, single submitter. Criteria: Invitae Variant Classification Sherloc (09022015). Collection method: clinical testing. Allele origin: germline.
Comment: This sequence change replaces lysine, which is basic and polar, with glutamic acid, which is acidic and polar, at codon 1671 of the CHD2 protein (p.Lys1671Glu). This variant is not present in population databases (gnomAD no frequency). This variant has not been reported in the literature in individuals affected with CHD2-related conditions. Invitae Evidence Modeling of protein sequence and biophysical properties (such as structural, functional, and spatial information, amino acid conservation, physicochemical variation, residue mobility, and thermodynamic stability) indicates that this missense variant is not expected to disrupt CHD2 protein function with a negative predictive value of 95%. In summary, the available evidence is currently insufficient to determine the role of this variant in disease. Therefore, it has been classified as a Variant of Uncertain Significance.

NM_001271.4(CHD2):c.5011A>G (p.Lys1671Glu)

Gene: CHD2 (chromodomain helicase DNA binding protein 2; plus strand). Cytogenetic location: 15q26.1.
Variant type: single nucleotide variant.
Coding change: c.5011A>G on transcript NM_001271.4 (MANE Select); coding-DNA position 5011, A replaced by G.
Protein change: p.Lys1671Glu; replaces lysine 1671 with glutamic acid.
Molecular consequence: missense variant.
Genome position (GRCh38, 1-based): chr15:93,020,116, A>G. VCF-style: chr15-93020116-A-G. GRCh37 (hg19) VCF-style: chr15-93563346-A-G.
Other names: short protein forms K1671E.
Identifiers: ClinVar variation 4802453 (VCV004802453.1).